The following is an entry in ClinVar:

NM_015046.7(SETX):c.6507G>A (p.Gly2169=)

Gene: SETX (senataxin; minus strand). Cytogenetic location: 9q34.13.
Variant type: single nucleotide variant.
Coding change: c.6507G>A on transcript NM_015046.7 (MANE Select); coding-DNA position 6507, G replaced by A.
Protein change: p.Gly2169=; no amino-acid change (glycine 2169 retained).
Molecular consequence: synonymous variant.
Genome position (GRCh38, 1-based): chr9:132,283,303, C>T on the plus strand (G>A on the coding strand, the complement: SETX is on the minus strand). VCF-style: chr9-132283303-C-T. GRCh37 (hg19) VCF-style: chr9-135158690-C-T.
Other names: p.Gly2169=; c.6507G>A, p.Gly2169= (NM_001351527.2, NM_001351528.2).
Identifiers: ClinVar variation 260511 (VCV000260511.78), dbSNP rs34073320, ClinGen allele CA5296701.

ClinVar aggregate classification (germline): Benign/Likely benign. Review status: criteria provided, multiple submitters, no conflicts (2 of 4 stars). 17 submissions from 15 submitters: Benign (8); Likely benign (4). 5 of the submissions do not count toward it. Last evaluated 2026-02-03.

Conditions:
Amyotrophic lateral sclerosis type 4 (ALS4). Also called: NEURONOPATHY, DISTAL HEREDITARY MOTOR, WITH PYRAMIDAL FEATURES; AMYOTROPHIC LATERAL SCLEROSIS 4, JUVENILE. Identifiers: Orphanet 357043, MedGen C1865409, MONDO:0011223, OMIM 602433.
Spinocerebellar ataxia, autosomal recessive, with axonal neuropathy 2 (SCAN2). Also called: Ataxia with Oculomotor Apraxia; ATAXIA-OCULOMOTOR APRAXIA 2; Ataxia-ocular apraxia-2; Ataxia with Oculomotor Apraxia Type 2. Identifiers: Orphanet 64753, MedGen C1853761, MONDO:0018996, OMIM 606002.
Hereditary spastic paraplegia. Also called: Familial spastic paraparesis. Identifiers: Orphanet 685, MedGen C0037773, MONDO:0019064. Disease mechanism: loss of function.

Allele frequency attached by ClinVar (database versions not stated): ExAC 0.01426; 1000 Genomes Project 30x 0.00968; 1000 Genomes Project 0.00978; gnomAD 0.01300; TOPMed 0.01334; ESP Exome Variant Server 0.01461; gnomAD exomes 0.01469.
gnomAD v4.1: 30,241 of 1,614,160 alleles (1.9%); highest among the groups gnomAD compares: Middle Eastern, 2.3%; 332 homozygotes.

Submissions (17):

Labcorp Genetics (formerly Invitae), Labcorp
Classification: Benign for Amyotrophic lateral sclerosis type 4; Spinocerebellar ataxia, autosomal recessive, with axonal neuropathy 2. Last evaluated: 2026-02-03. Review status: criteria provided, single submitter. Criteria: Invitae Variant Classification Sherloc (09022015). Collection method: clinical testing. Allele origin: germline.

Athena Diagnostics
Classification: Benign. Last evaluated: 2025-07-23. Review status: criteria provided, single submitter. Criteria: Athena Diagnostics Criteria. Collection method: clinical testing. Allele origin: unknown.
Comment: The frequency of this variant in the general population is higher than would generally be expected for pathogenic variants in this gene. Computational tools yielded predictions that this variant is unlikely to have an effect on normal RNA splicing. This nucleotide position exhibits low evolutionary conservation.

ARUP Laboratories, Molecular Genetics and Genomics, ARUP Laboratories
Classification: Benign. Last evaluated: 2025-05-14. Review status: criteria provided, single submitter. Criteria: ARUP Molecular Germline Variant Investigation Process 2024. Collection method: clinical testing. Allele origin: germline.

Genome-Nilou Lab
Classification: Likely benign for Spinocerebellar ataxia, autosomal recessive, with axonal neuropathy 2. Last evaluated: 2023-02-08. Review status: criteria provided, single submitter. Criteria: ACMG Guidelines, 2015. Collection method: clinical testing. Allele origin: germline.

Genome-Nilou Lab
Classification: Likely benign for Amyotrophic lateral sclerosis type 4. Last evaluated: 2023-02-08. Review status: criteria provided, single submitter. Criteria: ACMG Guidelines, 2015. Collection method: clinical testing. Allele origin: germline.

GeneDx
Classification: Likely benign. Last evaluated: 2022-09-12. Review status: criteria provided, single submitter. Criteria: GeneDx Variant Classification Process June 2021. Collection method: clinical testing. Allele origin: germline. Affected: yes.
Comment: See Variant Classification Assertion Criteria.

Genome Diagnostics Laboratory, The Hospital for Sick Children
Classification: Benign for Hereditary spastic paraplegia. Last evaluated: 2022-01-20. Review status: criteria provided, single submitter. Criteria: ACMG Guidelines, 2015. Collection method: clinical testing. Allele origin: germline. Affected: yes.

Illumina Laboratory Services, Illumina
Classification: Benign for Spinocerebellar ataxia, autosomal recessive, with axonal neuropathy 2. Last evaluated: 2018-01-13. Review status: criteria provided, single submitter. Criteria: ICSL Variant Classification Criteria 13 December 2019. Collection method: clinical testing. Allele origin: germline.
Comment: This variant was observed in the ICSL laboratory as part of a predisposition screen in an ostensibly healthy population. It had not been previously curated by ICSL or reported in the Human Gene Mutation Database (HGMD: prior to June 1st, 2018), and was therefore a candidate for classification through an automated scoring system. Utilizing variant allele frequency, disease prevalence and penetrance estimates, and inheritance mode, an automated score was calculated to assess if this variant is too frequent to cause the disease. Based on the score and internal cut-off values, a variant classified as benign is not then subjected to further curation. The score for this variant resulted in a classification of benign for this disease.

Illumina Laboratory Services, Illumina
Classification: Benign for Amyotrophic lateral sclerosis type 4. Last evaluated: 2018-01-13. Review status: criteria provided, single submitter. Criteria: ICSL Variant Classification Criteria 13 December 2019. Collection method: clinical testing. Allele origin: germline.
Comment: the same text as in the submission from Illumina Laboratory Services, Illumina above.

Mayo Clinic Laboratories, Mayo Clinic
Classification: Benign. Last evaluated: 2016-05-27. Review status: criteria provided, single submitter. Criteria: ACMG Guidelines, 2015. Collection method: clinical testing. Allele origin: germline. Observed: 125 variant alleles.

Breakthrough Genomics
Classification: Likely benign. Review status: criteria provided, single submitter. Criteria: ACMG Guidelines, 2015. Collection method: not provided. Allele origin: germline. Inheritance: Autosomal recessive inheritance. Affected: yes.

PreventionGenetics, part of Exact Sciences
Classification: Benign. Review status: criteria provided, single submitter. Criteria: ACMG Guidelines, 2015. Collection method: clinical testing. Allele origin: germline.

Clinical Genetics DNA and cytogenetics Diagnostics Lab, Erasmus MC, Erasmus Medical Center
Classification: Likely benign. Review status: no assertion criteria provided. Collection method: clinical testing. Allele origin: germline. Affected: yes. Study: VKGL Data-share Consensus. Not counted in ClinVar's aggregate classification.

Clinical Genetics, Academic Medical Center
Classification: Benign. Review status: no assertion criteria provided. Collection method: clinical testing. Allele origin: germline. Affected: yes. Study: VKGL Data-share Consensus. Not counted in ClinVar's aggregate classification.

Genome Diagnostics Laboratory, Amsterdam University Medical Center
Classification: Benign. Review status: no assertion criteria provided. Collection method: clinical testing. Allele origin: germline. Affected: yes. Study: VKGL Data-share Consensus. Not counted in ClinVar's aggregate classification.

Genome Diagnostics Laboratory, University Medical Center Utrecht
Classification: Benign. Review status: no assertion criteria provided. Collection method: clinical testing. Allele origin: germline. Affected: yes. Study: VKGL Data-share Consensus. Not counted in ClinVar's aggregate classification.

Joint Genome Diagnostic Labs from Nijmegen and Maastricht, Radboudumc and MUMC+
Classification: Benign. Review status: no assertion criteria provided. Collection method: clinical testing. Allele origin: germline. Affected: yes. Study: VKGL Data-share Consensus. Not counted in ClinVar's aggregate classification.

Literature cited by the submitters: PubMed 28130640 (cited by Athena Diagnostics).